The following is an entry in ClinVar:

ClinVar aggregate classification (germline): Uncertain significance. Review status: criteria provided, multiple submitters, no conflicts (2 of 4 stars). 2 submissions from 2 submitters: Uncertain significance (2). Last evaluated 2026-01-04.

Conditions:
Inborn genetic diseases. Identifiers: MedGen C0950123, MeSH D030342.
Glanzmann thrombasthenia. Also called: BLEEDING DISORDER, PLATELET-TYPE, 2; THROMBASTHENIA OF GLANZMANN AND NAEGELI; PLATELET GLYCOPROTEIN IIb-IIIa DEFICIENCY; Thrombasthenia; Glanzmann's thrombasthenia. Identifiers: Orphanet 849, MedGen C0040015, MONDO:0100326.

gnomAD v4.1: 5 of 1,613,952 alleles (0.00031%); highest among the groups gnomAD compares: Admixed American, 0.0017%; no homozygotes.

Submissions (2):

Labcorp Genetics (formerly Invitae), Labcorp
Classification: Uncertain significance for Glanzmann thrombasthenia. Last evaluated: 2026-01-04. Review status: criteria provided, single submitter. Criteria: Invitae Variant Classification Sherloc (09022015). Collection method: clinical testing. Allele origin: germline.
Comment: This sequence change replaces leucine, which is neutral and non-polar, with valine, which is neutral and non-polar, at codon 212 of the ITGA2B protein (p.Leu212Val). This variant is present in population databases (no rsID available, gnomAD 0.003%). This variant has not been reported in the literature in individuals affected with ITGA2B-related conditions. ClinVar contains an entry for this variant (Variation ID: 4277171). Invitae Evidence Modeling of protein sequence and biophysical properties (such as structural, functional, and spatial information, amino acid conservation, physicochemical variation, residue mobility, and thermodynamic stability) has been performed for this missense variant. However, the output from this modeling did not meet the statistical confidence thresholds required to predict the impact of this variant on ITGA2B protein function. In summary, the available evidence is currently insufficient to determine the role of this variant in disease. Therefore, it has been classified as a Variant of Uncertain Significance.

Ambry Genetics
Classification: Uncertain significance for Inborn genetic diseases. Last evaluated: 2025-09-01. Review status: criteria provided, single submitter. Criteria: Ambry Variant Classification Scheme 2023. Collection method: clinical testing. Allele origin: germline.

NM_000419.5(ITGA2B):c.634C>G (p.Leu212Val)

Gene: ITGA2B (integrin subunit alpha 2b; minus strand). Cytogenetic location: 17q21.31.
Variant type: single nucleotide variant.
Coding change: c.634C>G on transcript NM_000419.5 (MANE Select); coding-DNA position 634, C replaced by G.
Protein change: p.Leu212Val; replaces leucine 212 with valine.
Molecular consequence: missense variant.
Genome position (GRCh38, 1-based): chr17:44,385,200, G>C on the plus strand (C>G on the coding strand, the complement: ITGA2B is on the minus strand). VCF-style: chr17-44385200-G-C. GRCh37 (hg19) VCF-style: chr17-42462568-G-C.
Other names: short protein forms L212V.
Identifiers: ClinVar variation 4277171 (VCV004277171.2).